The following is an entry in ClinVar:

NM_001854.4(COL11A1):c.4040C>T (p.Pro1347Leu)

Gene: COL11A1 (collagen type XI alpha 1 chain; minus strand). Cytogenetic location: 1p21.1.
Variant type: single nucleotide variant.
Coding change: c.4040C>T on transcript NM_001854.4 (MANE Select); coding-DNA position 4040, C replaced by T.
Protein change: p.Pro1347Leu; replaces proline 1347 with leucine.
Molecular consequence: missense variant. On other transcripts: non-coding transcript variant (1).
Genome position (GRCh38, 1-based): chr1:102,912,205, G>A on the plus strand (C>T on the coding strand, the complement: COL11A1 is on the minus strand). VCF-style: chr1-102912205-G-A. GRCh37 (hg19) VCF-style: chr1-103377761-G-A.
Other names: c.3692C>T, p.Pro1231Leu (NM_001168249.1, NM_080630.4); c.3923C>T, p.Pro1308Leu (NM_001190709.2); c.4076C>T, p.Pro1359Leu (NM_080629.3); c.4040C>T (NM_001854.3); short protein forms P1231L, P1308L, P1347L, P1359L.
Identifiers: ClinVar variation 2129340 (VCV002129340.6), dbSNP rs1654769428, ClinGen allele CA341160237.

ClinVar aggregate classification (germline): Uncertain significance. Review status: criteria provided, multiple submitters, no conflicts (2 of 4 stars). 2 submissions from 2 submitters: Uncertain significance (2). Last evaluated 2026-04-10.

Submissions (2):

GeneDx
Classification: Uncertain significance. Last evaluated: 2026-04-10. Review status: criteria provided, single submitter. Criteria: GeneDx Variant Classification Process June 2021. Collection method: clinical testing. Allele origin: germline.
Comment: Not observed at significant frequency in large population cohorts (gnomAD); In silico analysis supports that this missense variant has a deleterious effect on protein structure/function; Has not been previously published as pathogenic or benign to our knowledge

Labcorp Genetics (formerly Invitae), Labcorp
Classification: Uncertain significance. Last evaluated: 2022-04-22. Review status: criteria provided, single submitter. Criteria: Invitae Variant Classification Sherloc (09022015). Collection method: clinical testing. Allele origin: germline.
Comment: This variant has not been reported in the literature in individuals affected with COL11A1-related conditions. In summary, the available evidence is currently insufficient to determine the role of this variant in disease. Therefore, it has been classified as a Variant of Uncertain Significance. Advanced modeling of protein sequence and biophysical properties (such as structural, functional, and spatial information, amino acid conservation, physicochemical variation, residue mobility, and thermodynamic stability) performed at Invitae indicates that this missense variant is not expected to disrupt COL11A1 protein function. This variant is not present in population databases (gnomAD no frequency). This sequence change replaces proline, which is neutral and non-polar, with leucine, which is neutral and non-polar, at codon 1347 of the COL11A1 protein (p.Pro1347Leu).